The following is an entry in ClinVar:

ClinVar aggregate classification (germline): Uncertain significance (1 of 4 stars; one submission).

Conditions:
Nephronophthisis 15 (NPHP15). Identifiers: Orphanet 3156, MedGen C3541853, MONDO:0013917, OMIM 614845.

Submission:

Labcorp Genetics (formerly Invitae), Labcorp
Classification: Uncertain significance for Nephronophthisis 15. Last evaluated: 2025-11-12. Review status: criteria provided, single submitter. Criteria: Invitae Variant Classification Sherloc (09022015). Collection method: clinical testing. Allele origin: germline.
Comment: This sequence change falls in intron 22 of the CEP164 gene. It does not directly change the encoded amino acid sequence of the CEP164 protein. This variant is not present in population databases (gnomAD no frequency). This variant has not been reported in the literature in individuals affected with CEP164-related conditions. Algorithms developed to predict the effect of sequence changes on RNA splicing suggest that this variant may disrupt the consensus splice site. In summary, the available evidence is currently insufficient to determine the role of this variant in disease. Therefore, it has been classified as a Variant of Uncertain Significance.

NM_014956.5(CEP164):c.2845-17T>G

Gene: CEP164 (centrosomal protein 164; plus strand). Cytogenetic location: 11q23.3.
Variant type: single nucleotide variant.
Coding change: c.2845-17T>G on transcript NM_014956.5 (MANE Select); 17 bases into the intron before coding-DNA position 2845, T replaced by G.
Molecular consequence: intron variant.
Genome position (GRCh38, 1-based): chr11:117,395,106, T>G. VCF-style: chr11-117395106-T-G. GRCh37 (hg19) VCF-style: chr11-117265822-T-G.
Other names: c.2854-17T>G (NM_001271933.2, NM_001440949.1); c.2686-17T>G (NM_001440972.1); c.2707-17T>G (NM_001440967.1, NM_001440961.1); c.2758-17T>G (NM_001440956.1, NM_001440957.1); c.2845-17T>G (NM_001440950.1, NM_001440953.1, NM_001440951.1); c.2698-17T>G (NM_001440962.1, NM_001440970.1, NM_001440964.1 and 4 more transcripts); c.2488-17T>G (NM_001440990.1, NM_001440984.1); c.2680-17T>G (NM_001440952.1, NM_001440968.1, NM_001440969.1); and 7 more.
Identifiers: ClinVar variation 4711243 (VCV004711243.1).